The following is an entry in ClinVar:

ClinVar aggregate classification (germline): Benign/Likely benign. Review status: criteria provided, multiple submitters, no conflicts (2 of 4 stars). 5 submissions from 5 submitters: Benign (1); Likely benign (4). Last evaluated 2024-06-19.

Conditions:
Hereditary cancer-predisposing syndrome. Also called: Neoplastic Syndromes, Hereditary; Hereditary Cancer Syndrome; Tumor predisposition; Hereditary neoplastic syndrome. Identifiers: Orphanet 140162, MedGen C0027672, MeSH D009386, MONDO:0015356.
Familial cancer of breast. Also called: Hereditary breast cancer; BREAST CANCER, FAMILIAL; hereditary breast carcinoma. Identifiers: Orphanet 227535, MedGen C0346153, MONDO:0016419, OMIM 114480. Disease mechanism: loss of function.
Ataxia-telangiectasia syndrome (AT). Also called: LOUIS-BAR SYNDROME; Cerebello-oculocutaneous telangiectasia; Immunodeficiency with ataxia telangiectasia; Ataxia-telangiectasia, complementation group D; AT, COMPLEMENTATION GROUP C; Ataxia-telangiectasia, complementation group E. Identifiers: Orphanet 100, MedGen C0004135, MONDO:0008840, OMIM 208900.

Submissions (5):

Myriad Genetics, Inc.
Classification: Benign for Familial cancer of breast. Last evaluated: 2024-06-19. Review status: criteria provided, single submitter. Criteria: Myriad Autosomal Dominant, Autosomal Recessive and X-Linked Classification Criteria (2023). Collection method: clinical testing. Allele origin: unknown.
Comment: This variant is considered benign. This variant is a silent/synonymous amino acid change and it is not expected to impact splicing.

Department of Pathology and Laboratory Medicine, Sinai Health System
Classification: Likely benign for Familial cancer of breast. Last evaluated: 2024-04-09. Review status: criteria provided, single submitter. Criteria: ACMG Guidelines, 2015. Collection method: clinical testing. Allele origin: germline. Affected: yes.

Labcorp Genetics (formerly Invitae), Labcorp
Classification: Likely benign for Ataxia-telangiectasia syndrome. Last evaluated: 2022-05-13. Review status: criteria provided, single submitter. Criteria: Invitae Variant Classification Sherloc (09022015). Collection method: clinical testing. Allele origin: germline.

Mendelics
Classification: Likely benign for Ataxia-telangiectasia syndrome. Last evaluated: 2019-05-28. Review status: criteria provided, single submitter. Criteria: Mendelics Assertion Criteria 2017. Collection method: clinical testing. Allele origin: unknown.

Ambry Genetics
Classification: Likely benign for Hereditary cancer-predisposing syndrome. Last evaluated: 2017-01-11. Review status: criteria provided, single submitter. Criteria: Ambry Variant Classification Scheme 2023. Collection method: clinical testing. Allele origin: germline.

NM_000051.4(ATM):c.8313A>C (p.Thr2771=)

Genes: ATM (ATM serine/threonine kinase; plus strand), C11orf65 (chromosome 11 open reading frame 65; minus strand). Cytogenetic location: 11q22.3.
Variant type: single nucleotide variant.
Coding change: c.8313A>C on transcript NM_000051.4 (MANE Select); coding-DNA position 8313, A replaced by C.
Protein change: p.Thr2771=; no amino-acid change (threonine 2771 retained).
Molecular consequence: synonymous variant. On other transcripts: intron variant (2).
Genome position (GRCh38, 1-based): chr11:108,343,266, A>C. VCF-style: chr11-108343266-A-C. GRCh37 (hg19) VCF-style: chr11-108213993-A-C.
Other names: c.8313A>C, p.Thr2771= (NM_001351834.2); c.641-34195T>G (NM_001330368.2); c.695-7974T>G (NM_001351110.2).
Identifiers: ClinVar variation 481324 (VCV000481324.14), dbSNP rs1555135563, ClinGen allele CA476672607.